The following is an entry in ClinVar:

NM_152722.5(HEPACAM):c.863del (p.Arg288fs)

Gene: HEPACAM (hepatic and glial cell adhesion molecule; minus strand). Cytogenetic location: 11q24.2.
Variant type: Deletion.
Coding change: c.863del on transcript NM_152722.5 (MANE Select); coding-DNA position 863, one base deleted (G; older notation c.863delG).
Protein change: p.Arg288fs; shifts the reading frame from arginine 288.
Molecular consequence: frameshift variant.
Genome position (GRCh38, 1-based): chr11:124,922,759, C deleted on the plus strand (G on the coding strand, the reverse complement: HEPACAM is on the minus strand). VCF-style (leftmost placement, unchanged base first): chr11-124922758-GC-G. GRCh37 (hg19) VCF-style: chr11-124792654-GC-G.
Other names: c.863delG, p.Arg288Profs (NM_001411043.1); short protein forms R288fs.
Identifiers: ClinVar variation 2136279 (VCV002136279.4), dbSNP rs1339214600, ClinGen allele CA672895900.

ClinVar aggregate classification (germline): Likely pathogenic (1 of 4 stars; one submission).

Allele frequency attached by ClinVar (database versions not stated): TOPMed 0.00001.

Submission:

GeneDx
Classification: Likely pathogenic. Last evaluated: 2023-08-31. Review status: criteria provided, single submitter. Criteria: GeneDx Variant Classification Process June 2021. Collection method: clinical testing. Allele origin: germline. Affected: yes.
Comment: Frameshift variant predicted to result in protein truncation or nonsense mediated decay in a gene for which loss of function is a known mechanism of disease; Not observed at significant frequency in large population cohorts (gnomAD); Has not been previously published as pathogenic or benign to our knowledge